The following is an entry in ClinVar:

NM_000179.3(MSH6):c.1712G>C (p.Gly571Ala)

Gene: MSH6 (mutS homolog 6; plus strand). Cytogenetic location: 2p16.3.
Variant type: single nucleotide variant.
Coding change: c.1712G>C on transcript NM_000179.3 (MANE Select); coding-DNA position 1712, G replaced by C.
Protein change: p.Gly571Ala; replaces glycine 571 with alanine.
Molecular consequence: missense variant.
Genome position (GRCh38, 1-based): chr2:47,799,695, G>C. VCF-style: chr2-47799695-G-C. GRCh37 (hg19) VCF-style: chr2-48026834-G-C.
Other names: c.1322G>C, p.Gly441Ala (NM_001281492.2); c.806G>C, p.Gly269Ala (NM_001281493.2, NM_001281494.2, NM_001406811.1 and 6 more transcripts); c.1808G>C, p.Gly603Ala (NM_001406795.1, NM_001406802.1); c.1712G>C, p.Gly571Ala (NM_001406796.1, NM_001406798.1, NM_001406800.1 and 3 more transcripts); c.1415G>C, p.Gly472Ala (NM_001406797.1, NM_001406801.1, NM_001406805.1 and 10 more transcripts); c.1187G>C, p.Gly396Ala (NM_001406799.1, NM_001406806.1, NM_001406807.1); c.1634G>C, p.Gly545Ala (NM_001406804.1); c.1718G>C, p.Gly573Ala (NM_001406813.1); and 1 more; short protein forms G396A, G571A, G545A, G573A, G603A, G515A, G269A, G472A.
Identifiers: ClinVar variation 1778592 (VCV001778592.3), dbSNP rs863224618, ClinGen allele CA346748588.

ClinVar aggregate classification (germline): Uncertain significance. Review status: criteria provided, multiple submitters, no conflicts (2 of 4 stars). 2 submissions from 2 submitters: Uncertain significance (2). Last evaluated 2025-03-12.

Conditions:
Hereditary nonpolyposis colorectal neoplasms. Identifiers: MedGen C0009405, MeSH D003123.
Hereditary cancer-predisposing syndrome. Also called: Neoplastic Syndromes, Hereditary; Tumor predisposition; Hereditary Cancer Syndrome; Hereditary neoplastic syndrome. Identifiers: Orphanet 140162, MedGen C0027672, MeSH D009386, MONDO:0015356.

Submissions (2):

Labcorp Genetics (formerly Invitae), Labcorp
Classification: Uncertain significance for Hereditary nonpolyposis colorectal neoplasms. Last evaluated: 2025-03-12. Review status: criteria provided, single submitter. Criteria: Invitae Variant Classification Sherloc (09022015). Collection method: clinical testing. Allele origin: germline.
Comment: This sequence change replaces glycine, which is neutral and non-polar, with alanine, which is neutral and non-polar, at codon 571 of the MSH6 protein (p.Gly571Ala). This variant is not present in population databases (gnomAD no frequency). This variant has not been reported in the literature in individuals affected with MSH6-related conditions. ClinVar contains an entry for this variant (Variation ID: 1778592). Invitae Evidence Modeling of protein sequence and biophysical properties (such as structural, functional, and spatial information, amino acid conservation, physicochemical variation, residue mobility, and thermodynamic stability) indicates that this missense variant is not expected to disrupt MSH6 protein function with a negative predictive value of 95%. In summary, the available evidence is currently insufficient to determine the role of this variant in disease. Therefore, it has been classified as a Variant of Uncertain Significance.

Ambry Genetics
Classification: Uncertain significance for Hereditary cancer-predisposing syndrome. Last evaluated: 2021-06-11. Review status: criteria provided, single submitter. Criteria: Ambry Variant Classification Scheme 2023. Collection method: clinical testing. Allele origin: germline.
Comment: The p.G571A variant (also known as c.1712G>C), located in coding exon 4 of the MSH6 gene, results from a G to C substitution at nucleotide position 1712. The glycine at codon 571 is replaced by alanine, an amino acid with similar properties. This amino acid position is highly conserved in available vertebrate species. In addition, this alteration is predicted to be deleterious by in silico analysis. Since supporting evidence is limited at this time, the clinical significance of this alteration remains unclear.